The following is an entry in ClinVar:

NM_001378452.1(ITPR1):c.1835C>T (p.Ala612Val)

Gene: ITPR1 (inositol 1,4,5-trisphosphate receptor type 1; plus strand). Cytogenetic location: 3p26.1.
Variant type: single nucleotide variant.
Coding change: c.1835C>T on transcript NM_001378452.1 (MANE Select); coding-DNA position 1835, C replaced by T.
Protein change: p.Ala612Val; replaces alanine 612 with valine.
Molecular consequence: missense variant.
Genome position (GRCh38, 1-based): chr3:4,667,498, C>T. VCF-style: chr3-4667498-C-T. GRCh37 (hg19) VCF-style: chr3-4709182-C-T.
Other names: c.1835C>T, p.Ala612Val (NM_001099952.4); c.1790C>T, p.Ala597Val (NM_001168272.2, NM_002222.7); short protein forms A612V, A597V.
Identifiers: ClinVar variation 1938714 (VCV001938714.5), dbSNP rs781586221, ClinGen allele CA2231272.

ClinVar aggregate classification (germline): Uncertain significance (1 of 4 stars; one submission).

Allele frequency attached by ClinVar (database versions not stated): gnomAD 0.00001; gnomAD exomes 0.00001; TOPMed 0.00002; ExAC 0.00006.
gnomAD v4.1: 15 of 1,613,560 alleles (0.00093%); highest among the groups gnomAD compares: South Asian, 0.0044%; no homozygotes.

Submission:

Labcorp Genetics (formerly Invitae), Labcorp
Classification: Uncertain significance. Last evaluated: 2023-09-17. Review status: criteria provided, single submitter. Criteria: Invitae Variant Classification Sherloc (09022015). Collection method: clinical testing. Allele origin: germline.
Comment: This variant is present in population databases (rs781586221, gnomAD 0.01%). In summary, the available evidence is currently insufficient to determine the role of this variant in disease. Therefore, it has been classified as a Variant of Uncertain Significance. Advanced modeling of protein sequence and biophysical properties (such as structural, functional, and spatial information, amino acid conservation, physicochemical variation, residue mobility, and thermodynamic stability) has been performed at Invitae for this missense variant, however the output from this modeling did not meet the statistical confidence thresholds required to predict the impact of this variant on ITPR1 protein function. ClinVar contains an entry for this variant (Variation ID: 1938714). This variant has not been reported in the literature in individuals affected with ITPR1-related conditions. This sequence change replaces alanine, which is neutral and non-polar, with valine, which is neutral and non-polar, at codon 597 of the ITPR1 protein (p.Ala597Val).